The following is an entry in ClinVar:

ClinVar aggregate classification (germline): Uncertain significance (1 of 4 stars; one submission).

Submission:

GeneDx
Classification: Uncertain significance. Last evaluated: 2025-06-23. Review status: criteria provided, single submitter. Criteria: GeneDx Variant Classification Process June 2021. Collection method: clinical testing. Allele origin: germline. Affected: yes.
Comment: Not observed at significant frequency in large population cohorts (gnomAD); In silico analysis suggests that this missense variant does not alter protein structure/function; Has not been previously published as pathogenic or benign to our knowledge

NM_000292.3(PHKA2):c.2478C>G (p.Ile826Met)

Gene: PHKA2 (phosphorylase kinase regulatory subunit alpha 2; minus strand). Cytogenetic location: Xp22.13.
Variant type: single nucleotide variant.
Coding change: c.2478C>G on transcript NM_000292.3 (MANE Select); coding-DNA position 2478, C replaced by G.
Protein change: p.Ile826Met; replaces isoleucine 826 with methionine.
Molecular consequence: missense variant.
Genome position (GRCh38, 1-based): chrX:18,907,939, G>C on the plus strand (C>G on the coding strand, the complement: PHKA2 is on the minus strand). VCF-style: chrX-18907939-G-C. GRCh37 (hg19) VCF-style: chrX-18926057-G-C.
Other names: short protein forms I826M.
Identifiers: ClinVar variation 1310113 (VCV001310113.3), dbSNP rs2147859233, ClinGen allele CA412383272.